The following is an entry in ClinVar:

ClinVar aggregate classification (germline): Uncertain significance (1 of 4 stars; one submission).

Submission:

Ambry Genetics
Classification: Uncertain significance. Last evaluated: 2023-12-05. Review status: criteria provided, single submitter. Criteria: Ambry Variant Classification Scheme 2023. Collection method: clinical testing. Allele origin: germline.
Comment: The p.A275T variant (also known as c.823G>A), located in coding exon 6 of the POLQ gene, results from a G to A substitution at nucleotide position 823. The alanine at codon 275 is replaced by threonine, an amino acid with similar properties. This amino acid position is conserved. In addition, the in silico prediction for this alteration is inconclusive. Since supporting evidence is limited at this time, the clinical significance of this alteration remains unclear.

NM_199420.4(POLQ):c.823G>A (p.Ala275Thr)

Gene: POLQ (DNA polymerase theta; minus strand). Cytogenetic location: 3q13.33.
Variant type: single nucleotide variant.
Coding change: c.823G>A on transcript NM_199420.4 (MANE Select); coding-DNA position 823, G replaced by A.
Protein change: p.Ala275Thr; replaces alanine 275 with threonine.
Molecular consequence: missense variant.
Genome position (GRCh38, 1-based): chr3:121,533,127, C>T on the plus strand (G>A on the coding strand, the complement: POLQ is on the minus strand). VCF-style: chr3-121533127-C-T. GRCh37 (hg19) VCF-style: chr3-121251974-C-T.
Other names: short protein forms A275T.
Identifiers: ClinVar variation 3230180 (VCV003230180.1), dbSNP rs2546819125, ClinGen allele CA354126509.